The following is an entry in ClinVar:

ClinVar aggregate classification (germline): Uncertain significance (1 of 4 stars; one submission).

Conditions:
Familial cancer of breast. Also called: BREAST CANCER, FAMILIAL; hereditary breast carcinoma; Hereditary breast cancer. Identifiers: Orphanet 227535, MedGen C0346153, MONDO:0016419, OMIM 114480. Disease mechanism: loss of function.

Submission:

Labcorp Genetics (formerly Invitae), Labcorp
Classification: Uncertain significance for Familial cancer of breast. Last evaluated: 2023-03-20. Review status: criteria provided, single submitter. Criteria: Invitae Variant Classification Sherloc (09022015). Collection method: clinical testing. Allele origin: germline.
Comment: In summary, the available evidence is currently insufficient to determine the role of this variant in disease. Therefore, it has been classified as a Variant of Uncertain Significance. This sequence change replaces glutamic acid, which is acidic and polar, with aspartic acid, which is acidic and polar, at codon 537 of the BARD1 protein (p.Glu537Asp). This variant is not present in population databases (gnomAD no frequency). This variant has not been reported in the literature in individuals affected with BARD1-related conditions. An algorithm developed to predict the effect of missense changes on protein structure and function (PolyPhen-2) suggests that this variant is likely to be tolerated.

NM_000465.4(BARD1):c.1611A>C (p.Glu537Asp)

Gene: BARD1 (BRCA1 associated RING domain 1; minus strand). Cytogenetic location: 2q35.
Variant type: single nucleotide variant.
Coding change: c.1611A>C on transcript NM_000465.4 (MANE Select); coding-DNA position 1611, A replaced by C.
Protein change: p.Glu537Asp; replaces glutamic acid 537 with aspartic acid.
Molecular consequence: missense variant. On other transcripts: non-coding transcript variant (3), intron variant (1).
Genome position (GRCh38, 1-based): chr2:214,752,513, T>G on the plus strand (A>C on the coding strand, the complement: BARD1 is on the minus strand). VCF-style: chr2-214752513-T-G. GRCh37 (hg19) VCF-style: chr2-215617237-T-G.
Other names: c.1554A>C, p.Glu518Asp (NM_001282543.2); c.258A>C, p.Glu86Asp (NM_001282545.2); c.201A>C, p.Glu67Asp (NM_001282548.2); c.365-22005A>C (NM_001282549.2); short protein forms E537D, E67D, E518D, E86D.
Identifiers: ClinVar variation 2847607 (VCV002847607.3), dbSNP rs2469378538, ClinGen allele CA350454874.
Genomic context (GRCh38, chr2:214,752,513, plus strand): 5'-GCAGTGGCTAGCTGAGGATGATTCATTCTTCTCTGGTAGCAGCAATAGCGATTTCATACT[T>G]TCATCATCTGTATAATCGACAGGCCGCAGACCAAATATATTACTGGTAAAATAAGTGCAG-3'
Protein context (NP_000456.2, residues 527-547): GLRPVDYTDD[Glu537Asp]SMKSLLLLPE